The following is an entry in ClinVar:

ClinVar aggregate classification (germline): Conflicting classifications of pathogenicity. Review status: criteria provided, conflicting classifications (1 of 4 stars). 4 submissions from 3 submitters: Pathogenic (1); Likely pathogenic (1); Uncertain risk allele (2). Last evaluated 2024-05-27.

Conditions:
Neonatal diabetes mellitus (NDM). Identifiers: Orphanet 224, MedGen C0158981, MONDO:0016391.
Maturity-onset diabetes of the young (MODY). Also called: Maturity onset diabetes mellitus in young. Identifiers: Orphanet 552, MedGen C0342276, MONDO:0018911, HP:0004904.
Hyperinsulinemic hypoglycemia, familial, 1 (HHF1). Also called: HYPOGLYCEMIA, HYPERINSULINEMIC, OF INFANCY; NESIDIOBLASTOSIS OF PANCREAS; Persistent hyperinsulinemic hypoglycemia of infancy; HYPERINSULINISM, FAMILIAL, WITH PANCREATIC NESIDIOBLASTOSIS; Persistent Hyperinsulinemia Hypoglycemia of Infancy. Identifiers: Orphanet 276575, Orphanet 276598, MedGen C2931832, MONDO:0009734, OMIM 256450.

Allele frequency attached by ClinVar (database versions not stated): gnomAD exomes below 0.00001; ExAC 0.00001.
gnomAD v4.1: 1 of 1,610,662 alleles (0.000062%); highest among the groups gnomAD compares: South Asian, 0.0011%; no homozygotes.

Submissions (4):

Clinical Genomics, Uppaluri K&H Personalized Medicine Clinic
Classification: Uncertain risk allele for Maturity-onset diabetes of the young. Last evaluated: 2024-05-27. Review status: criteria provided, single submitter. Criteria: K And H Uppaluri Personalized Medicine Clinic Variant Classification And Assertion Criteria Updated V 2. Collection method: research. Allele origin: unknown.
Comment: This variant is found to be a potent moderate impact variant with a CADD score of 33 and sufficient scientific evidence to support gene-disease correlation. However, since this is not a high impact variant and has no variant evidence, this variant is reclassified as Uncertain Risk Allele

Clinical Genomics, Uppaluri K&H Personalized Medicine Clinic
Classification: Uncertain risk allele for Neonatal diabetes mellitus. Last evaluated: 2024-05-27. Review status: criteria provided, single submitter. Criteria: K And H Uppaluri Personalized Medicine Clinic Variant Classification And Assertion Criteria Updated V 2. Collection method: research. Allele origin: unknown.
Comment: This variant is found to be a potent moderate impact, variant with a CADD score of 33 and sufficient scientific evidence of gene-disease correlation. However, since this is not a high impact variant and no variant evidence, this variant is reclassified as Uncertain risk allele.

Broad Center for Mendelian Genomics, Broad Institute of MIT and Harvard
Classification: Pathogenic for Hyperinsulinemic hypoglycemia, familial, 1. Last evaluated: 2023-08-16. Review status: criteria provided, single submitter. Criteria: ACMG Guidelines, 2015. Collection method: curation. Allele origin: germline. Inheritance: Autosomal recessive inheritance.
Comment: The c.2921-1G>A variant in ABCC8 has been reported in 1 individual, in the homozygous state, with hyperinsulinemic hypoglycemia (PMID: 32027066), and has been identified in 0.003% (1/30284) of South Asian chromosomes by the Genome Aggregation Database (gnomAD; dbSNP ID: rs772682942). Although this variant has been seen in the general population in a heterozygous state, its frequency is low enough to be consistent with a recessive carrier frequency. This variant has also been reported in ClinVar (Variation ID: 643339) and has been interpreted as likely pathogenic by Invitae and as a variant of uncertain significance by Uppaluri K&H Personalized Medicine Clinic. This variant is located in the 5' splice region. SpliceAI predictions indicate use of an out-of-frame cryptic splice site 2 bases from the intron-exon boundary, providing evidence that this variant may cause a frameshift and lead to a premature termination codon downstream. This alteration is then predicted to lead to a truncated or absent protein. However, this information is not predictive enough to determine pathogenicity. Loss of function of the ABCC8 gene is an established disease mechanism in autosomal recessive hyperinsulinemic hypoglycemia. In summary, this variant meets criteria to be classified as pathogenic for autosomal recessive hyperinsulinemic hypoglycemia. ACMG/AMP Criteria applied: PM3_supporting, PM2_supporting, PVS1 (Richards 2015).

Labcorp Genetics (formerly Invitae), Labcorp
Classification: Likely pathogenic. Last evaluated: 2021-02-04. Review status: criteria provided, single submitter. Criteria: Invitae Variant Classification Sherloc (09022015). Collection method: clinical testing. Allele origin: germline.
Comment: The frequency data for this variant in the population databases is considered unreliable, as metrics indicate poor data quality at this position in the ExAC database. This variant has not been reported in the literature in individuals with ABCC8-related conditions. This sequence change affects an acceptor splice site in intron 24 of the ABCC8 gene. It is expected to disrupt RNA splicing and likely results in an absent or disrupted protein product. Donor and acceptor splice site variants typically lead to a loss of protein function (PMID: 16199547), and loss-of-function variants in ABCC8 are known to be pathogenic (PMID: 20685672, 23345197). Algorithms developed to predict the effect of sequence changes on RNA splicing suggest that this variant may disrupt the consensus splice site, but this prediction has not been confirmed by published transcriptional studies. In summary, the currently available evidence indicates that the variant is pathogenic, but additional data are needed to prove that conclusively. Therefore, this variant has been classified as Likely Pathogenic.

Literature cited by the submitters: PubMed 31216263 (cited by Clinical Genomics, Uppaluri K&H Personalized Medicine Clinic); PubMed 38095268 (cited by Clinical Genomics, Uppaluri K&H Personalized Medicine Clinic); PubMed 38513803 (cited by Clinical Genomics, Uppaluri K&H Personalized Medicine Clinic); PubMed 32376986 (cited by Clinical Genomics, Uppaluri K&H Personalized Medicine Clinic); PubMed 20922570 (cited by Clinical Genomics, Uppaluri K&H Personalized Medicine Clinic); PubMed 17389331 (cited by Clinical Genomics, Uppaluri K&H Personalized Medicine Clinic); PubMed 17919176 (cited by Clinical Genomics, Uppaluri K&H Personalized Medicine Clinic); PubMed 21738553 (cited by Clinical Genomics, Uppaluri K&H Personalized Medicine Clinic); PubMed 33013711 (cited by Clinical Genomics, Uppaluri K&H Personalized Medicine Clinic); PubMed 16199547 (cited by Labcorp Genetics (formerly Invitae), Labcorp); PubMed 20685672 (cited by Labcorp Genetics (formerly Invitae), Labcorp); PubMed 23345197 (cited by Labcorp Genetics (formerly Invitae), Labcorp).

NM_000352.6(ABCC8):c.2921-1G>A

Gene: ABCC8 (ATP binding cassette subfamily C member 8; minus strand). Cytogenetic location: 11p15.1.
Variant type: single nucleotide variant.
Coding change: c.2921-1G>A on transcript NM_000352.6 (MANE Select); the canonical splice acceptor site of the intron before coding-DNA position 2921, G replaced by A.
Molecular consequence: splice acceptor variant. On other transcripts: non-coding transcript variant (1).
Genome position (GRCh38, 1-based): chr11:17,407,130, C>T on the plus strand (G>A on the coding strand, the complement: ABCC8 is on the minus strand). VCF-style: chr11-17407130-C-T. GRCh37 (hg19) VCF-style: chr11-17428677-C-T.
Other names: c.2918-1G>A (NM_001351297.2); c.2921-1G>A (NM_001351296.2); c.2987-1G>A (NM_001351295.2); c.2924-1G>A (NM_001287174.3).
Identifiers: ClinVar variation 643339 (VCV000643339.10), dbSNP rs772682942, ClinGen allele CA5902969.